The following is an entry in ClinVar:

ClinVar aggregate classification (germline): Uncertain significance. Review status: criteria provided, multiple submitters, no conflicts (2 of 4 stars). 5 submissions from 5 submitters: Uncertain significance (3). 2 of the submissions do not count toward it. Last evaluated 2022-04-15.

Conditions:
BBS1-related disorder. Also called: BBS1-related condition.
Bardet-Biedl syndrome 1 (BBS1). Identifiers: MedGen C2936862, MONDO:0008854, OMIM 209900. Disease mechanism: loss of function.

Allele frequency attached by ClinVar (database versions not stated): gnomAD exomes 0.00003; ExAC 0.00004; TOPMed 0.00014; 1000 Genomes Project 30x 0.00016; gnomAD 0.00016 and 0.00019; 1000 Genomes Project 0.00020.
gnomAD v4.1: 40 of 1,614,116 alleles (0.0025%); highest among the groups gnomAD compares: African/African-American, 0.049%; no homozygotes.

Submissions (5):

GeneDx
Classification: Uncertain significance. Last evaluated: 2022-04-15. Review status: criteria provided, single submitter. Criteria: GeneDx Variant Classification Process June 2021. Collection method: clinical testing. Allele origin: germline. Affected: yes.
Comment: Alters the Kozak consensus sequence in the 5'-untranslated region; Has not been previously published as pathogenic or benign to our knowledge

Fulgent Genetics
Classification: Uncertain significance for Bardet-Biedl syndrome 1. Last evaluated: 2022-02-24. Review status: criteria provided, single submitter. Criteria: ACMG Guidelines, 2015. Collection method: clinical testing. Allele origin: unknown.

Genetic Services Laboratory, University of Chicago
Classification: Uncertain significance. Last evaluated: 2021-11-29. Review status: criteria provided, single submitter. Criteria: ACMG Guidelines, 2015. Collection method: clinical testing. Allele origin: germline. Affected: no.

PreventionGenetics, part of Exact Sciences
Classification: Likely benign for BBS1-related condition. Last evaluated: 2021-07-04. Review status: no assertion criteria provided. Collection method: clinical testing. Allele origin: germline. Not counted in ClinVar's aggregate classification.
Comment: This variant is classified as likely benign based on ACMG/AMP sequence variant interpretation guidelines (Richards et al. 2015 PMID: 25741868, with internal and published modifications).

Natera, Inc.
Classification: Uncertain significance for Bardet-Biedl syndrome type 1. Last evaluated: 2020-04-14. Review status: no assertion criteria provided. Collection method: clinical testing. Allele origin: germline. Not counted in ClinVar's aggregate classification.

NM_024649.5(BBS1):c.-3A>G

Gene: BBS1 (Bardet-Biedl syndrome 1; plus strand). Cytogenetic location: 11q13.2.
Variant type: single nucleotide variant.
Coding change: c.-3A>G on transcript NM_024649.5 (MANE Select); 3 bases upstream of the start codon, A replaced by G.
Molecular consequence: 5 prime UTR variant.
Genome position (GRCh38, 1-based): chr11:66,510,657, A>G. VCF-style: chr11-66510657-A-G. GRCh37 (hg19) VCF-style: chr11-66278128-A-G.
Other names: c.-3A>G (NM_024649.4).
Identifiers: ClinVar variation 990060 (VCV000990060.9), dbSNP rs549210746, ClinGen allele CA6123174.